The following is an entry in ClinVar:

ClinVar aggregate classification (germline): Uncertain significance. Review status: criteria provided, single submitter (1 of 4 stars). 2 submissions from 2 submitters: Uncertain significance (1). 1 of the submissions does not count toward it. Last evaluated 2016-12-15.

Conditions:
NR0B2-related disorder. Also called: NR0B2-related condition.

Allele frequency attached by ClinVar (database versions not stated): ExAC 0.00001; gnomAD exomes 0.00002.

Submissions (2):

GeneDx
Classification: Uncertain significance. Last evaluated: 2016-12-15. Review status: criteria provided, single submitter. Criteria: GeneDx Variant Classification (06012015). Collection method: clinical testing. Allele origin: germline. Affected: yes.
Comment: The C41Y variant in the NR0B2 gene has not been reported previously as a pathogenic variant, nor as a benign variant, to our knowledge. The C41Y variant was not observed in the Exome Aggregation Consortium (ExAC) data set, indicating it is not a common benign variant. The C41Y variant is a non-conservative amino acid substitution, which is likely to impact secondary protein structure as these residues differ in polarity, charge, size and/or other properties. This substitution occurs at a position that is conserved across species. In silico analysis predicts this variant is probably damaging to the protein structure/function. Therefore, we interpret C41Y as a variant of uncertain significance.

PreventionGenetics, part of Exact Sciences
Classification: Uncertain significance for NR0B2-related condition. Last evaluated: 2024-06-30. Review status: no assertion criteria provided. Collection method: clinical testing. Allele origin: germline. Not counted in ClinVar's aggregate classification.
Comment: The NR0B2 c.122G>A variant is predicted to result in the amino acid substitution p.Cys41Tyr. To our knowledge, this variant has not been reported in the literature. This variant is reported in 0.020% of alleles in individuals of African descent in gnomAD. At this time, the clinical significance of this variant is uncertain due to the absence of conclusive functional and genetic evidence.

NM_021969.3(NR0B2):c.122G>A (p.Cys41Tyr)

Genes: NR0B2 (nuclear receptor subfamily 0 group B member 2; minus strand), NUDC (nuclear distribution C, dynein complex regulator; plus strand). Cytogenetic location: 1p36.11.
Variant type: single nucleotide variant.
Coding change: c.122G>A on transcript NM_021969.3 (MANE Select); coding-DNA position 122, G replaced by A.
Protein change: p.Cys41Tyr; replaces cysteine 41 with tyrosine.
Molecular consequence: missense variant.
Genome position (GRCh38, 1-based): chr1:26,913,819, C>T on the plus strand (G>A on the coding strand, the complement: NR0B2 is on the minus strand). VCF-style: chr1-26913819-C-T. GRCh37 (hg19) VCF-style: chr1-27240310-C-T.
Other names: short protein forms C41Y.
Identifiers: ClinVar variation 373488 (VCV000373488.2), dbSNP rs768288444, ClinGen allele CA709724.